The following is an entry in ClinVar:

NM_000426.4(LAMA2):c.3555+5G>A

Gene: LAMA2 (laminin subunit alpha 2; plus strand). Cytogenetic location: 6q22.33.
Variant type: single nucleotide variant.
Coding change: c.3555+5G>A on transcript NM_000426.4 (MANE Select); 5 bases into the intron after coding-DNA position 3555, G replaced by A.
Molecular consequence: intron variant.
Genome position (GRCh38, 1-based): chr6:129,314,803, G>A. VCF-style: chr6-129314803-G-A. GRCh37 (hg19) VCF-style: chr6-129635948-G-A.
Other names: c.3555+5G>A (NM_001079823.2).
Identifiers: ClinVar variation 1331306 (VCV001331306.2), dbSNP rs2114499515, ClinGen allele CA2573052576.
Genomic context (GRCh38, chr6:129,314,803, plus strand): 5'-ATTGCTTCGGCACTACTACCCAGTGCTCTGAAGCAAAAGGACTGATCCGGACGTGGGTGA[G>A]TAGGGAACTGCTGAGCCATGTAATGGTATAATGTTAGTTCCTGCTGGTGTCTTTTAGTCA-3'

ClinVar aggregate classification (germline): Uncertain significance (1 of 4 stars; one submission).

Submission:

GeneDx
Classification: Uncertain significance. Last evaluated: 2021-06-29. Review status: criteria provided, single submitter. Criteria: GeneDx Variant Classification Process June 2021. Collection method: clinical testing. Allele origin: germline. Affected: yes.
Comment: Not observed at significant frequency in large population cohorts (Lek et al., 2016); Intronic +5 splice site variant in a gene for which loss-of-function is a known mechanism of disease, and splice predictors support a deleterious effect; Has not been previously published as pathogenic or benign to our knowledge; This variant is associated with the following publications: (PMID: 27535533)